The following is an entry in ClinVar:

ClinVar aggregate classification (germline): Likely benign (1 of 4 stars; one submission).

Submission:

CeGaT Center for Human Genetics Tuebingen
Classification: Likely benign. Last evaluated: 2026-02-01. Review status: criteria provided, single submitter. Criteria: CeGaT Center For Human Genetics Tuebingen Variant Classification Criteria Version 2. Collection method: clinical testing. Allele origin: germline. Affected: yes. Observed: 1 variant allele.
Comment: MUC21: BP4, BP7

NM_001010909.5(MUC21):c.1206C>T (p.Ala402=)

Genes: MUC21 (mucin 21, cell surface associated; plus strand), LOC126859647 (CDK7 strongly-dependent group 2 enhancer GRCh37_chr6:30954612-30955811; plus strand). Cytogenetic location: 6p21.33.
Variant type: single nucleotide variant.
Coding change: c.1206C>T on transcript NM_001010909.5 (MANE Select); coding-DNA position 1206, C replaced by T.
Protein change: p.Ala402=; no amino-acid change (alanine 402 retained).
Molecular consequence: synonymous variant. On other transcripts: non-coding transcript variant (1).
Genome position (GRCh38, 1-based): chr6:30,987,381, C>T. VCF-style: chr6-30987381-C-T. GRCh37 (hg19) VCF-style: chr6-30955158-C-T.
Identifiers: ClinVar variation 4821023 (VCV004821023.4).